The following is an entry in ClinVar:

NM_001323289.2(CDKL5):c.2325_2326del (p.Lys776fs)

Gene: CDKL5 (cyclin dependent kinase like 5; plus strand). Cytogenetic location: Xp22.13.
Variant type: Microsatellite.
Coding change: c.2325_2326del on transcript NM_001323289.2 (MANE Select); coding-DNA positions 2325 to 2326, 2 bases deleted (GA; older notation c.2325_2326delGA).
Protein change: p.Lys776fs; shifts the reading frame from lysine 776.
Molecular consequence: frameshift variant.
Genome position (GRCh38, 1-based): chrX:18,619,915-18,619,916, GA deleted; deleting any 2 consecutive bases within chrX:18,619,912-18,619,916 gives the same sequence; the c. name uses the placement nearest the transcript's 3' end. VCF-style (leftmost placement, unchanged base first): chrX-18619911-AAG-A. GRCh37 (hg19) VCF-style: chrX-18638031-AAG-A.
Other names: NM_001323289.2(CDKL5):c.2325_2326del; p.Lys776fs; c.2325_2326del, p.Lys776fs (NM_001037343.2, NM_003159.3); c.2325_2326delGA (NM_003159.2); short protein forms K776fs.
Identifiers: ClinVar variation 143800 (VCV000143800.7), dbSNP rs267608654, ClinGen allele CA170474.

ClinVar aggregate classification (germline): Pathogenic. Review status: criteria provided, multiple submitters, no conflicts (2 of 4 stars). 3 submissions from 3 submitters: Pathogenic (2). 1 of the submissions does not count toward it. Last evaluated 2024-09-16.

Conditions:
CDKL5 disorder. Identifiers: MedGen CN296942, MONDO:0100039.
Developmental and epileptic encephalopathy, 2 (DEE2). Also called: INFANTILE SPASM SYNDROME, X-LINKED 2; CDKL5 deficiency disorder. Identifiers: Orphanet 1934, Orphanet 3451, Orphanet 505652, MedGen C4750718, MONDO:0010396, OMIM 300672.
Angelman syndrome-like. Identifiers: MedGen CN128785.

Submissions (3):

Centre for Population Genomics, CPG
Classification: Pathogenic for CDKL5 disorder. Last evaluated: 2024-09-16. Review status: criteria provided, single submitter. Criteria: McKnight et al. (Hum Mutat. 2022). Collection method: curation. Allele origin: germline. Inheritance: X-linked inheritance.
Comment: This variant has been collected from RettBASE and curated to current modified ACMG/AMP criteria. Based on the classification scheme defined by the ClinGen Rett/Angelman-like Expert Panel for Rett/AS-like Disorders Specifications to the ACMG/AMP Variant Interpretation Guidelines VCEP 3.0, this variant is classified as pathogenic. At least the following criteria are met: Predicted to result in loss of function, and LOF is a known mechanism of disease (PVS1). This variant has been identified as a de novo occurrence in an individual with CDKL5 disorder without confirmation of paternity and maternity (PM6, PMID: 18790821). This variant is absent from gnomAD (PM2_Supporting).

Labcorp Genetics (formerly Invitae), Labcorp
Classification: Pathogenic for Developmental and epileptic encephalopathy, 2; Angelman syndrome-like. Last evaluated: 2023-04-06. Review status: criteria provided, single submitter. Criteria: Invitae Variant Classification Sherloc (09022015). Collection method: clinical testing. Allele origin: germline.
Comment: This variant is not present in population databases (gnomAD no frequency). This premature translational stop signal has been observed in individual(s) with clinical features of CDKL5-related conditions (PMID: 18266744, 25951140). This variant is also known as 2323_2324delGA. ClinVar contains an entry for this variant (Variation ID: 143800). For these reasons, this variant has been classified as Pathogenic. This sequence change creates a premature translational stop signal (p.Lys776Alafs*24) in the CDKL5 gene. It is expected to result in an absent or disrupted protein product. Loss-of-function variants in CDKL5 are known to be pathogenic (PMID: 22872100).

RettBASE
Classification: Pathogenic for Epileptic encephalopathy, early infantile, 2. Last evaluated: 2014-03-13. Review status: no assertion criteria provided. Collection method: curation. Allele origin: de novo. Affected: yes. Observed: 1 variant allele. Not counted in ClinVar's aggregate classification.
Comment: Bahi-Buisson et al 2008 showed mislocalisation of protein

Literature cited by the submitters: PubMed 18266744 (cited by Labcorp Genetics (formerly Invitae), Labcorp); PubMed 25951140 (cited by Labcorp Genetics (formerly Invitae), Labcorp); PubMed 22872100 (cited by Labcorp Genetics (formerly Invitae), Labcorp); PubMed 18790821 (cited by RettBASE).